The following is an entry in ClinVar:

ClinVar aggregate classification (germline): Uncertain significance. Review status: criteria provided, multiple submitters, no conflicts (2 of 4 stars). 2 submissions from 2 submitters: Uncertain significance (2). Last evaluated 2022-12-10.

Conditions:
Baller-Gerold syndrome (BGS). Also called: CRANIOSYNOSTOSIS WITH RADIAL DEFECTS. Identifiers: Orphanet 1225, MedGen C0265308, MONDO:0009039, OMIM 218600.

Allele frequency attached by ClinVar (database versions not stated): gnomAD exomes below 0.00001.
gnomAD v4.1: 1 of 1,588,998 alleles (0.000063%); highest among the groups gnomAD compares: Middle Eastern, 0.017%; no homozygotes.

Submissions (2):

Labcorp Genetics (formerly Invitae), Labcorp
Classification: Uncertain significance for Baller-Gerold syndrome. Last evaluated: 2022-12-10. Review status: criteria provided, single submitter. Criteria: Invitae Variant Classification Sherloc (09022015). Collection method: clinical testing. Allele origin: germline.
Comment: ClinVar contains an entry for this variant (Variation ID: 1310732). In summary, the available evidence is currently insufficient to determine the role of this variant in disease. Therefore, it has been classified as a Variant of Uncertain Significance. Advanced modeling of protein sequence and biophysical properties (such as structural, functional, and spatial information, amino acid conservation, physicochemical variation, residue mobility, and thermodynamic stability) performed at Invitae indicates that this missense variant is expected to disrupt RECQL4 protein function. This variant has not been reported in the literature in individuals affected with RECQL4-related conditions. The frequency data for this variant in the population databases is considered unreliable, as metrics indicate poor data quality at this position in the gnomAD database. This sequence change replaces threonine, which is neutral and polar, with isoleucine, which is neutral and non-polar, at codon 641 of the RECQL4 protein (p.Thr641Ile).

GeneDx
Classification: Uncertain significance. Last evaluated: 2019-12-04. Review status: criteria provided, single submitter. Criteria: GeneDx Variant Classification Process June 2021. Collection method: clinical testing. Allele origin: germline. Affected: yes.
Comment: Not observed at a significant frequency in large population cohorts (Lek et al., 2016); In silico analysis, which includes protein predictors and evolutionary conservation, supports a deleterious effect; Has not been previously published as pathogenic or benign to our knowledge

NM_004260.4(RECQL4):c.1922C>T (p.Thr641Ile)

Gene: RECQL4 (RecQ like helicase 4; minus strand). Cytogenetic location: 8q24.3.
Variant type: single nucleotide variant.
Coding change: c.1922C>T on transcript NM_004260.4 (MANE Select); coding-DNA position 1922, C replaced by T.
Protein change: p.Thr641Ile; replaces threonine 641 with isoleucine.
Molecular consequence: missense variant.
Genome position (GRCh38, 1-based): chr8:144,514,064, G>A on the plus strand (C>T on the coding strand, the complement: RECQL4 is on the minus strand). VCF-style: chr8-144514064-G-A. GRCh37 (hg19) VCF-style: chr8-145739448-G-A.
Other names: short protein forms T641I.
Identifiers: ClinVar variation 1310732 (VCV001310732.7), dbSNP rs867428284, ClinGen allele CA187684574.
Genomic context (GRCh38, chr8:144,514,064, plus strand): 5'-TCTTCAGCCACAGCCAGGTGCTGTGCCACGTCACTGGCAGTGCGGCGTGTGGCTGTGGCT[G>A]TGAGGCCCAGGAAGCAGTGCACGCCCATGCGCTCCCGAAGCACCTGCACCAGAGGCGGCA-3'
Protein context (NP_004251.4, residues 631-651): RMGVHCFLGL[Thr641Ile]ATATRRTASD